The following is an entry in ClinVar:

NM_001384732.1(CPLANE1):c.6599del (p.Leu2200fs)

Gene: CPLANE1 (ciliogenesis and planar polarity effector complex subunit 1; minus strand). Cytogenetic location: 5p13.2.
Variant type: Deletion.
Coding change: c.6599del on transcript NM_001384732.1 (MANE Select); coding-DNA position 6599, one base deleted (T; older notation c.6599delT).
Protein change: p.Leu2200fs; shifts the reading frame from leucine 2200.
Molecular consequence: frameshift variant.
Genome position (GRCh38, 1-based): chr5:37,169,425, A deleted on the plus strand (T on the coding strand, the reverse complement: CPLANE1 is on the minus strand); the first of 4 consecutive A bases (chr5:37,169,425-37,169,428); deleting any one gives the same sequence. VCF-style (leftmost placement, unchanged base first): chr5-37169424-CA-C. GRCh37 (hg19) VCF-style: chr5-37169526-CA-C.
Other names: c.6599del, p.Leu2200fs (NM_023073.4); short protein forms L2200fs.
Identifiers: ClinVar variation 4813864 (VCV004813864.1).
Genomic context (GRCh38, chr5:37,169,424, plus strand): 5'-ACTAAATGTTTTTGCATGTGGGATAAGTCTAGGTGCCTTCTGAACAACAGAAGGTGTGGA[CA>C]AAAGGTAGAGGTGAGTATTTCCAGCAGGAGCTGGATAAAACGAAGTGGATGGTAAGTTTT-3'

ClinVar aggregate classification (germline): Likely pathogenic (1 of 4 stars; one submission).

Conditions:
Focal segmental glomerulosclerosis (FSGS). Also called: Glomerulosclerosis, focal; Focal sclerosis with hyalinosis. Identifiers: MedGen C0017668, MONDO:0100313, HP:0000097. Disease mechanism: loss of function.

Submission:

Molecular Lab, University of Sulaimaniyah
Classification: Likely pathogenic for Focal segmental glomerulosclerosis. Last evaluated: 2026-03-12. Review status: criteria provided, single submitter. Criteria: ACMG Guidelines, 2015. Collection method: clinical testing. Allele origin: germline. Inheritance: Autosomal recessive inheritance. Affected: yes. Observed: 1 variant allele, 1 homozygote.
Comment: This variant was classified using the ACMG/AMP 2015 framework (PMID:25741868). PVS1 was applied because CPLANE1 c.6599delT is a predicted loss-of-function frameshift variant expected to create a premature termination codon in a recessive ciliopathy-associated gene for which loss of function is an established disease mechanism. The submitted classification reflects this combination of variant type, gene-disease mechanism, and internal observation data. Overall, the weight of evidence supported a Likely pathogenic classification.